The following is an entry in ClinVar:

NM_003239.5(TGFB3):c.901G>A (p.Ala301Thr)

Gene: TGFB3 (transforming growth factor beta 3; minus strand). Cytogenetic location: 14q24.3.
Variant type: single nucleotide variant.
Coding change: c.901G>A on transcript NM_003239.5 (MANE Select); coding-DNA position 901, G replaced by A.
Protein change: p.Ala301Thr; replaces alanine 301 with threonine.
Molecular consequence: missense variant.
Genome position (GRCh38, 1-based): chr14:75,963,341, C>T on the plus strand (G>A on the coding strand, the complement: TGFB3 is on the minus strand). VCF-style: chr14-75963341-C-T. GRCh37 (hg19) VCF-style: chr14-76429684-C-T.
Other names: c.901G>A, p.Ala301Thr (NM_001329938.2, NM_001329939.2); short protein forms A301T.
Identifiers: ClinVar variation 1025907 (VCV001025907.9), dbSNP rs2035180741, ClinGen allele CA390468208.

ClinVar aggregate classification (germline): Uncertain significance (1 of 4 stars; one submission).

Conditions:
Rienhoff syndrome. Also called: LOEYS-DIETZ SYNDROME 5. Identifiers: MedGen C3810012, MONDO:0014262, OMIM 615582.

Allele frequency attached by ClinVar (database versions not stated): TOPMed below 0.00001.

Submission:

Labcorp Genetics (formerly Invitae), Labcorp
Classification: Uncertain significance for Rienhoff syndrome. Last evaluated: 2020-10-16. Review status: criteria provided, single submitter. Criteria: Invitae Variant Classification Sherloc (09022015). Collection method: clinical testing. Allele origin: germline.
Comment: In summary, the available evidence is currently insufficient to determine the role of this variant in disease. Therefore, it has been classified as a Variant of Uncertain Significance. Algorithms developed to predict the effect of missense changes on protein structure and function are either unavailable or do not agree on the potential impact of this missense change (SIFT: "Tolerated"; PolyPhen-2: "Probably Damaging"; Align-GVGD: "Class C0"). This variant has not been reported in the literature in individuals with TGFB3-related conditions. This variant is not present in population databases (ExAC no frequency). This sequence change replaces alanine with threonine at codon 301 of the TGFB3 protein (p.Ala301Thr). The alanine residue is highly conserved and there is a small physicochemical difference between alanine and threonine.